The following is an entry in ClinVar:

NM_014727.3(KMT2B):c.5954G>A (p.Gly1985Glu)

Gene: KMT2B (lysine methyltransferase 2B; plus strand). Cytogenetic location: 19q13.12.
Variant type: single nucleotide variant.
Coding change: c.5954G>A on transcript NM_014727.3 (MANE Select); coding-DNA position 5954, G replaced by A.
Protein change: p.Gly1985Glu; replaces glycine 1985 with glutamic acid.
Molecular consequence: missense variant.
Genome position (GRCh38, 1-based): chr19:35,732,503, G>A. VCF-style: chr19-35732503-G-A. GRCh37 (hg19) VCF-style: chr19-36223404-G-A.
Other names: short protein forms G1985E.
Identifiers: ClinVar variation 2770674 (VCV002770674.5), dbSNP rs2513351264, ClinGen allele CA405424766.

ClinVar aggregate classification (germline): Uncertain significance. Review status: criteria provided, multiple submitters, no conflicts (2 of 4 stars). 2 submissions from 2 submitters: Uncertain significance (2). Last evaluated 2025-10-09.

Submissions (2):

Dasa
Classification: Uncertain significance. Last evaluated: 2025-10-09. Review status: criteria provided, single submitter. Criteria: DASA Assertion Criteria. Collection method: clinical testing. Allele origin: germline.
Comment: NM_014727.3(KMT2B):c.5954G>A (p.Gly1985Glu) is a missense variant that results in the substitution of glycine with glutamic acid. This variant is absent from population databases. The currently available literature and clinical evidence are not sufficient to establish a definitive association between this variant and the reported condition. Therefore, this variant is classified as a variant of uncertain significance.

Labcorp Genetics (formerly Invitae), Labcorp
Classification: Uncertain significance. Last evaluated: 2023-10-22. Review status: criteria provided, single submitter. Criteria: Invitae Variant Classification Sherloc (09022015). Collection method: clinical testing. Allele origin: germline.
Comment: This sequence change replaces glycine, which is neutral and non-polar, with glutamic acid, which is acidic and polar, at codon 1985 of the KMT2B protein (p.Gly1985Glu). This variant is not present in population databases (gnomAD no frequency). This variant has not been reported in the literature in individuals affected with KMT2B-related conditions. Advanced modeling of protein sequence and biophysical properties (such as structural, functional, and spatial information, amino acid conservation, physicochemical variation, residue mobility, and thermodynamic stability) performed at Invitae indicates that this missense variant is not expected to disrupt KMT2B protein function. In summary, the available evidence is currently insufficient to determine the role of this variant in disease. Therefore, it has been classified as a Variant of Uncertain Significance.